The following is an entry in ClinVar:

NM_000551.4(VHL):c.*1860A>G

Genes: VHL (von Hippel-Lindau tumor suppressor; plus strand), LOC107303340 (3p25 von Hippel-Lindau tumor suppressor, E3 ubiquitin protein ligase Alu-mediated recombination region; plus strand). Cytogenetic location: 3p25.3.
Variant type: single nucleotide variant.
Coding change: c.*1860A>G on transcript NM_000551.4 (MANE Select); 1860 bases downstream of the stop codon, A replaced by G.
Molecular consequence: 3 prime UTR variant.
Genome position (GRCh38, 1-based): chr3:10,151,825, A>G. VCF-style: chr3-10151825-A-G. GRCh37 (hg19) VCF-style: chr3-10193509-A-G.
Other names: c.*2056A>G (NM_001354723.2); c.*1860A>G (NM_198156.3).
Identifiers: ClinVar variation 342451 (VCV000342451.6), dbSNP rs458106, ClinGen allele CA10614409.
Genomic context (GRCh38, chr3:10,151,825, plus strand): 5'-GCTCAAAAATGAGAGTGACGGCTGGCATGGTGGCTCCCGCCTGTAATCCCAGTACTTTGG[A>G]AAGCCAAGGTAAGAGGATTGCTTGAGCCCAGAACTTCAAGATGAGCCTGGGCTCATAGTG-3'

ClinVar aggregate classification (germline): Benign. Review status: criteria provided, multiple submitters, no conflicts (2 of 4 stars). 2 submissions from 2 submitters: Benign (2). Last evaluated 2018-01-13.

Conditions:
Von Hippel-Lindau syndrome (VHLS). Also called: Von Hippel-Lindau; von Hippel–Lindau syndrome; VHL syndrome. Identifiers: Orphanet 892, MedGen C0019562, MONDO:0008667, OMIM 193300. Disease mechanism: loss of function.

Allele frequency attached by ClinVar (database versions not stated): gnomAD exomes 0.97871; TOPMed 0.98133; gnomAD 0.98202 and 0.98229; 1000 Genomes Project 30x 0.98766; 1000 Genomes Project 0.98802.
gnomAD v4.1: 192,553 of 196,184 alleles (98%); highest among the groups gnomAD compares: East Asian, 100%; 94,518 homozygotes.

Submissions (2):

Illumina Laboratory Services, Illumina
Classification: Benign for Von Hippel-Lindau syndrome. Last evaluated: 2018-01-13. Review status: criteria provided, single submitter. Criteria: ICSL Variant Classification Criteria 13 December 2019. Collection method: clinical testing. Allele origin: germline.
Comment: This variant was observed in the ICSL laboratory as part of a predisposition screen in an ostensibly healthy population. It had not been previously curated by ICSL or reported in the Human Gene Mutation Database (HGMD: prior to June 1st, 2018), and was therefore a candidate for classification through an automated scoring system. Utilizing variant allele frequency, disease prevalence and penetrance estimates, and inheritance mode, an automated score was calculated to assess if this variant is too frequent to cause the disease. Based on the score and internal cut-off values, a variant classified as benign is not then subjected to further curation. The score for this variant resulted in a classification of benign for this disease.

Breakthrough Genomics
Classification: Benign. Review status: criteria provided, single submitter. Criteria: ACMG Guidelines, 2015. Collection method: not provided. Allele origin: germline. Inheritance: Autosomal recessive inheritance. Affected: yes.